The following is an entry in ClinVar:

NM_000553.6(WRN):c.2521G>C (p.Ala841Pro)

Gene: WRN (WRN RecQ like helicase; plus strand). Cytogenetic location: 8p12.
Variant type: single nucleotide variant.
Coding change: c.2521G>C on transcript NM_000553.6 (MANE Select); coding-DNA position 2521, G replaced by C.
Protein change: p.Ala841Pro; replaces alanine 841 with proline.
Molecular consequence: missense variant.
Genome position (GRCh38, 1-based): chr8:31,120,315, G>C. VCF-style: chr8-31120315-G-C. GRCh37 (hg19) VCF-style: chr8-30977831-G-C.
Other names: short protein forms A841P.
Identifiers: ClinVar variation 2975029 (VCV002975029.3), dbSNP rs748169173, ClinGen allele CA4704772.

ClinVar aggregate classification (germline): Uncertain significance (1 of 4 stars; one submission).

Conditions:
Werner syndrome (WRN). Identifiers: Orphanet 902, MedGen C0043119, MONDO:0010196, OMIM 277700.

Submission:

Labcorp Genetics (formerly Invitae), Labcorp
Classification: Uncertain significance for Werner syndrome. Last evaluated: 2023-05-07. Review status: criteria provided, single submitter. Criteria: Invitae Variant Classification Sherloc (09022015). Collection method: clinical testing. Allele origin: germline.
Comment: This variant has not been reported in the literature in individuals affected with WRN-related conditions. An algorithm developed to predict the effect of missense changes on protein structure and function (PolyPhen-2) suggests that this variant is likely to be disruptive. In summary, the available evidence is currently insufficient to determine the role of this variant in disease. Therefore, it has been classified as a Variant of Uncertain Significance. This variant is present in population databases (rs748169173, gnomAD 0.0009%). This sequence change replaces alanine, which is neutral and non-polar, with proline, which is neutral and non-polar, at codon 841 of the WRN protein (p.Ala841Pro).